The following is an entry in ClinVar:

NM_001709.5(BDNF):c.-21-15560G>A

Genes: BDNF (brain derived neurotrophic factor; minus strand), BDNF-AS (BDNF antisense RNA; plus strand). Cytogenetic location: 11p14.1.
Variant type: single nucleotide variant.
Coding change: c.-21-15560G>A on transcript NM_001709.5 (MANE Select); 15560 bases into the intron before 21 bases upstream of the start codon, G replaced by A.
Molecular consequence: intron variant. On other transcripts: missense variant (1), 5 prime UTR variant (1).
Genome position (GRCh38, 1-based): chr11:27,674,145, C>T on the plus strand (G>A on the coding strand, the complement: BDNF is on the minus strand). VCF-style: chr11-27674145-C-T. GRCh37 (hg19) VCF-style: chr11-27695692-C-T.
Other names: c.140G>A, p.Cys47Tyr (NM_001143810.2); c.-224G>A (NM_001143811.2); c.4-15560G>A (NM_170731.5); c.-21-15560G>A (NM_001143805.1, NM_001143806.1, NM_170732.4 and 5 more transcripts); c.67-15560G>A (NM_001143809.2); c.-128-15219G>A (NM_001143814.2); c.25-15560G>A (NM_170734.4); short protein forms C47Y.
Identifiers: ClinVar variation 4978294 (VCV004978294.1).

ClinVar aggregate classification (germline): Uncertain significance (1 of 4 stars; one submission).

Conditions:
BDNF-related disorder. Also called: BDNF-related condition.

Submission:

PreventionGenetics, part of Exact Sciences
Classification: Uncertain significance for BDNF-related condition. Last evaluated: 2025-07-01. Review status: criteria provided, single submitter. Criteria: ACMG Guidelines, 2015. Collection method: clinical testing. Allele origin: germline.
Comment: The BDNF c.140G>A variant is predicted to result in the amino acid substitution p.Cys47Tyr. To our knowledge, this variant has not been reported in the literature. This variant is reported in 0.0068% of alleles in individuals of African descent in gnomAD. At this time, the clinical significance of this variant is uncertain due to the absence of conclusive functional and genetic evidence.